The following is an entry in ClinVar:

NM_000548.5(TSC2):c.344G>T (p.Arg115Leu)

Gene: TSC2 (TSC complex subunit 2; plus strand). Cytogenetic location: 16p13.3.
Variant type: single nucleotide variant.
Coding change: c.344G>T on transcript NM_000548.5 (MANE Select); coding-DNA position 344, G replaced by T.
Protein change: p.Arg115Leu; replaces arginine 115 with leucine.
Molecular consequence: missense variant. On other transcripts: intron variant (1).
Genome position (GRCh38, 1-based): chr16:2,054,303, G>T. VCF-style: chr16-2054303-G-T. GRCh37 (hg19) VCF-style: chr16-2104304-G-T.
Other names: c.344G>T, p.Arg115Leu (NM_001077183.3, NM_001114382.3, NM_001363528.2 and 3 more transcripts); c.233G>T, p.Arg78Leu (NM_001318827.2); c.197G>T, p.Arg66Leu (NM_001318829.2); c.377G>T, p.Arg126Leu (NM_001318832.2); c.-1-1893G>T (NM_001318831.2); short protein forms R78L, R66L, R115L, R126L.
Identifiers: ClinVar variation 823785 (VCV000823785.15), dbSNP rs764529584, ClinGen allele CA394306431.

ClinVar aggregate classification (germline): Uncertain significance. Review status: criteria provided, multiple submitters, no conflicts (2 of 4 stars). 3 submissions from 3 submitters: Uncertain significance (3). Last evaluated 2023-12-01.

Conditions:
Hereditary cancer-predisposing syndrome. Also called: Neoplastic Syndromes, Hereditary; Hereditary Cancer Syndrome; Hereditary neoplastic syndrome; Tumor predisposition. Identifiers: Orphanet 140162, MedGen C0027672, MeSH D009386, MONDO:0015356.
Tuberous sclerosis 2 (TSC2). Identifiers: Orphanet 805, MedGen C1860707, MONDO:0013199, OMIM 613254.

Submissions (3):

Labcorp Genetics (formerly Invitae), Labcorp
Classification: Uncertain significance for Tuberous sclerosis 2. Last evaluated: 2023-12-01. Review status: criteria provided, single submitter. Criteria: Invitae Variant Classification Sherloc (09022015). Collection method: clinical testing. Allele origin: germline.
Comment: This sequence change replaces arginine, which is basic and polar, with leucine, which is neutral and non-polar, at codon 115 of the TSC2 protein (p.Arg115Leu). This variant is not present in population databases (gnomAD no frequency). This variant has not been reported in the literature in individuals affected with TSC2-related conditions. ClinVar contains an entry for this variant (Variation ID: 823785). Advanced modeling of protein sequence and biophysical properties (such as structural, functional, and spatial information, amino acid conservation, physicochemical variation, residue mobility, and thermodynamic stability) performed at Invitae indicates that this missense variant is not expected to disrupt TSC2 protein function with a negative predictive value of 95%. In summary, the available evidence is currently insufficient to determine the role of this variant in disease. Therefore, it has been classified as a Variant of Uncertain Significance.

Genome-Nilou Lab
Classification: Uncertain significance for Tuberous sclerosis 2. Last evaluated: 2021-11-07. Review status: criteria provided, single submitter. Criteria: ACMG Guidelines, 2015. Collection method: clinical testing. Allele origin: germline. Affected: no.

Ambry Genetics
Classification: Uncertain significance for Hereditary cancer-predisposing syndrome. Last evaluated: 2019-03-19. Review status: criteria provided, single submitter. Criteria: Ambry Variant Classification Scheme 2023. Collection method: clinical testing. Allele origin: germline.
Comment: The p.R115L variant (also known as c.344G>T), located in coding exon 4 of the TSC2 gene, results from a G to T substitution at nucleotide position 344. The arginine at codon 115 is replaced by leucine, an amino acid with dissimilar properties. This amino acid position is well conserved in available vertebrate species. In addition, this alteration is predicted to be deleterious by in silico analysis. Since supporting evidence is limited at this time, the clinical significance of this alteration remains unclear.